The following is an entry in ClinVar:

NM_001378454.1(ALMS1):c.7034G>C (p.Arg2345Pro)

Gene: ALMS1 (ALMS1 centrosome and basal body associated protein; plus strand). Cytogenetic location: 2p13.1.
Variant type: single nucleotide variant.
Coding change: c.7034G>C on transcript NM_001378454.1 (MANE Select); coding-DNA position 7034, G replaced by C.
Protein change: p.Arg2345Pro; replaces arginine 2345 with proline.
Molecular consequence: missense variant.
Genome position (GRCh38, 1-based): chr2:73,453,561, G>C. VCF-style: chr2-73453561-G-C. GRCh37 (hg19) VCF-style: chr2-73680688-G-C.
Other names: c.7037G>C, p.Arg2346Pro (NM_015120.4); short protein forms R2346P, R2345P.
Identifiers: ClinVar variation 4990855 (VCV004990855.1).
Genomic context (GRCh38, chr2:73,453,561, plus strand): 5'-AAAGCCCAAGCAGCAGGTGCATACAGAAGGATATTGGCACACAGACGAATTTGAAATGCC[G>C]GAGAGGCATTGAAAATTGGGAGTTTATTAGTTCAACTACAGTTAGAAGTCCTCTACAGGA-3'
Protein context (NP_001365383.1, residues 2335-2355): DIGTQTNLKC[Arg2345Pro]RGIENWEFIS

ClinVar aggregate classification (germline): Uncertain significance (1 of 4 stars; one submission).

Conditions:
ALMS1-related disorder. Also called: ALMS1-related condition.

Submission:

PreventionGenetics, part of Exact Sciences
Classification: Uncertain significance for ALMS1-related condition. Last evaluated: 2026-08-26. Review status: criteria provided, single submitter. Criteria: ACMG Guidelines, 2015. Collection method: clinical testing. Allele origin: germline.
Comment: The ALMS1 c.7037G>C variant is predicted to result in the amino acid substitution p.Gly2346Ala. To our knowledge, this variant has not been reported in the literature or in a large population database (gnomAD), indicating this variant is rare. At this time, the clinical significance of this variant is uncertain due to the absence of conclusive functional and genetic evidence.